The following is an entry in ClinVar:

ClinVar aggregate classification (germline): Uncertain significance (1 of 4 stars; one submission).

Allele frequency attached by ClinVar (database versions not stated): gnomAD exomes below 0.00001 and 0.00001; ExAC 0.00002.
gnomAD v4.1: 2 of 1,613,948 alleles (0.00012%); highest among the groups gnomAD compares: Non-Finnish European, 0.00017%; no homozygotes.

Submission:

Labcorp Genetics (formerly Invitae), Labcorp
Classification: Uncertain significance. Last evaluated: 2022-10-25. Review status: criteria provided, single submitter. Criteria: Invitae Variant Classification Sherloc (09022015). Collection method: clinical testing. Allele origin: germline.
Comment: ClinVar contains an entry for this variant (Variation ID: 956249). This sequence change replaces methionine, which is neutral and non-polar, with threonine, which is neutral and polar, at codon 403 of the SLC24A1 protein (p.Met403Thr). This variant is present in population databases (rs759432235, gnomAD 0.002%). This variant has not been reported in the literature in individuals affected with SLC24A1-related conditions. Algorithms developed to predict the effect of missense changes on protein structure and function output the following: SIFT: "Tolerated"; PolyPhen-2: "Benign"; Align-GVGD: "Class C0". The threonine amino acid residue is found in multiple mammalian species, which suggests that this missense change does not adversely affect protein function. In summary, the available evidence is currently insufficient to determine the role of this variant in disease. Therefore, it has been classified as a Variant of Uncertain Significance.

NM_004727.3(SLC24A1):c.1208T>C (p.Met403Thr)

Gene: SLC24A1 (solute carrier family 24 member 1; plus strand). Cytogenetic location: 15q22.31.
Variant type: single nucleotide variant.
Coding change: c.1208T>C on transcript NM_004727.3 (MANE Select); coding-DNA position 1208, T replaced by C.
Protein change: p.Met403Thr; replaces methionine 403 with threonine.
Molecular consequence: missense variant.
Genome position (GRCh38, 1-based): chr15:65,625,288, T>C. VCF-style: chr15-65625288-T-C. GRCh37 (hg19) VCF-style: chr15-65917626-T-C.
Other names: c.1208T>C, p.Met403Thr (NM_001301031.1, NM_001301032.1, NM_001301033.2); short protein forms M403T.
Identifiers: ClinVar variation 956249 (VCV000956249.9), dbSNP rs759432235, ClinGen allele CA7619862.